The following is an entry in ClinVar:

ClinVar aggregate classification (germline): Uncertain significance (1 of 4 stars; one submission).

Submission:

GeneDx
Classification: Uncertain significance. Last evaluated: 2024-02-22. Review status: criteria provided, single submitter. Criteria: GeneDx Variant Classification Process June 2021. Collection method: clinical testing. Allele origin: germline. Affected: yes.
Comment: Frameshift variant predicted to result in protein truncation or nonsense mediated decay in a gene or region of a gene for which loss of function is not a well-established mechanism of disease; Not observed at significant frequency in large population cohorts (gnomAD); Has not been previously published as pathogenic or benign to our knowledge

NM_001367479.1(DNAH14):c.2456del (p.Cys819fs)

Gene: DNAH14 (dynein axonemal heavy chain 14; plus strand). Cytogenetic location: 1q42.12.
Variant type: Deletion.
Coding change: c.2456del on transcript NM_001367479.1 (MANE Select); coding-DNA position 2456, one base deleted (G; older notation c.2456delG).
Protein change: p.Cys819fs; shifts the reading frame from cysteine 819.
Molecular consequence: frameshift variant.
Genome position (GRCh38, 1-based): chr1:225,079,238, G deleted. VCF-style (leftmost placement, unchanged base first): chr1-225079237-TG-T. GRCh37 (hg19) VCF-style: chr1-225266939-TG-T.
Other names: NM_001373.1:c.2456del; short protein forms C819fs.
Identifiers: ClinVar variation 3369344 (VCV003369344.1).